The following is an entry in ClinVar:

ClinVar aggregate classification (germline): Uncertain significance (1 of 4 stars; one submission).

Conditions:
Left ventricular noncompaction 8 (LVNC8). Identifiers: Orphanet 154, Orphanet 54260, MedGen C3809288, MONDO:0014152, OMIM 615373.

Allele frequency attached by ClinVar (database versions not stated): gnomAD 0.00001; TOPMed 0.00001; gnomAD exomes 0.00002 and 0.00008; ExAC 0.00003; 1000 Genomes Project 30x 0.00016; 1000 Genomes Project 0.00020.
gnomAD v4.1: 116 of 1,613,296 alleles (0.0072%); highest among the groups gnomAD compares: Non-Finnish European, 0.0095%; no homozygotes.

Submission:

Labcorp Genetics (formerly Invitae), Labcorp
Classification: Uncertain significance for Left ventricular noncompaction 8. Last evaluated: 2024-07-08. Review status: criteria provided, single submitter. Criteria: Invitae Variant Classification Sherloc (09022015). Collection method: clinical testing. Allele origin: germline.
Comment: This sequence change replaces alanine, which is neutral and non-polar, with glycine, which is neutral and non-polar, at codon 689 of the PRDM16 protein (p.Ala689Gly). This variant is present in population databases (rs577251077, gnomAD 0.004%). This variant has not been reported in the literature in individuals affected with PRDM16-related conditions. ClinVar contains an entry for this variant (Variation ID: 1060450). An algorithm developed to predict the effect of missense changes on protein structure and function (PolyPhen-2) suggests that this variant is likely to be tolerated. In summary, the available evidence is currently insufficient to determine the role of this variant in disease. Therefore, it has been classified as a Variant of Uncertain Significance.

NM_022114.4(PRDM16):c.2066C>G (p.Ala689Gly)

Gene: PRDM16 (PR/SET domain 16; plus strand). Cytogenetic location: 1p36.32.
Variant type: single nucleotide variant.
Coding change: c.2066C>G on transcript NM_022114.4 (MANE Select); coding-DNA position 2066, C replaced by G.
Protein change: p.Ala689Gly; replaces alanine 689 with glycine.
Molecular consequence: missense variant.
Genome position (GRCh38, 1-based): chr1:3,412,263, C>G. VCF-style: chr1-3412263-C-G. GRCh37 (hg19) VCF-style: chr1-3328827-C-G.
Other names: c.2066C>G, p.Ala689Gly (NM_199454.3); short protein forms A689G.
Identifiers: ClinVar variation 1060450 (VCV001060450.9), dbSNP rs577251077, ClinGen allele CA544374.